The following is an entry in ClinVar:

NM_006908.5(RAC1):c.372C>G (p.Asp124Glu)

Gene: RAC1 (Rac family small GTPase 1; plus strand). Cytogenetic location: 7p22.1.
Variant type: single nucleotide variant.
Coding change: c.372C>G on transcript NM_006908.5 (MANE Select); coding-DNA position 372, C replaced by G.
Protein change: p.Asp124Glu; replaces aspartic acid 124 with glutamic acid.
Molecular consequence: missense variant.
Genome position (GRCh38, 1-based): chr7:6,401,951, C>G. VCF-style: chr7-6401951-C-G. GRCh37 (hg19) VCF-style: chr7-6441582-C-G.
Other names: c.429C>G, p.Asp143Glu (NM_018890.4); short protein forms D124E, D143E.
Identifiers: ClinVar variation 1033910 (VCV001033910.1), dbSNP rs1227283234, ClinGen allele CA366766427.

ClinVar aggregate classification (germline): Uncertain significance (1 of 4 stars; one submission).

Conditions:
Intellectual developmental disorder, autosomal dominant 48. Also called: Intellectual disability, autosomal dominant 48; MENTAL RETARDATION, AUTOSOMAL DOMINANT 48. Identifiers: Orphanet 500159, MedGen C4540321, MONDO:0030913, OMIM 617751.

Allele frequency attached by ClinVar (database versions not stated): gnomAD exomes below 0.00001.
gnomAD v4.1: 2 of 1,614,176 alleles (0.00012%); highest among the groups gnomAD compares: South Asian, 0.0011%; no homozygotes.

Submission:

Baylor Genetics
Classification: Uncertain significance for Intellectual developmental disorder, autosomal dominant 48. Last evaluated: 2018-10-11. Review status: criteria provided, single submitter. Criteria: ACMG Guidelines, 2015. Collection method: clinical testing. Allele origin: paternal. Affected: yes.
Comment: This variant was determined to be of uncertain significance according to ACMG Guidelines, 2015 [PMID:25741868].